The following is an entry in ClinVar:

ClinVar aggregate classification (germline): Likely benign. Review status: criteria provided, multiple submitters, no conflicts (2 of 4 stars). 4 submissions from 4 submitters: Likely benign (3). 1 of the submissions does not count toward it. Last evaluated 2026-03-01.

Conditions:
KARS1-related disorder. Also called: KARS1-related disorders.

Allele frequency attached by ClinVar (database versions not stated): gnomAD exomes 0.00004; ExAC 0.00006; gnomAD 0.00006; ESP Exome Variant Server 0.00008; TOPMed 0.00008.
gnomAD v4.1: 65 of 1,614,016 alleles (0.004%); highest among the groups gnomAD compares: East Asian, 0.016%; no homozygotes.

Submissions (4):

CeGaT Center for Human Genetics Tuebingen
Classification: Likely benign. Last evaluated: 2026-03-01. Review status: criteria provided, single submitter. Criteria: CeGaT Center For Human Genetics Tuebingen Variant Classification Criteria Version 2. Collection method: clinical testing. Allele origin: germline. Affected: yes. Observed: 2 variant alleles.
Comment: KARS1: BP4, BP7

Labcorp Genetics (formerly Invitae), Labcorp
Classification: Likely benign. Last evaluated: 2025-12-14. Review status: criteria provided, single submitter. Criteria: Invitae Variant Classification Sherloc (09022015). Collection method: clinical testing. Allele origin: germline.

Laboratory of Genetics, Children's Clinical University Hospital Latvia
Classification: Likely benign. Last evaluated: 2025-02-16. Review status: criteria provided, single submitter. Criteria: ACMG Guidelines, 2015. Collection method: clinical testing. Allele origin: germline. Affected: yes.

PreventionGenetics, part of Exact Sciences
Classification: Likely benign for KARS1-related condition. Last evaluated: 2019-07-29. Review status: no assertion criteria provided. Collection method: clinical testing. Allele origin: germline. Not counted in ClinVar's aggregate classification.
Comment: This variant is classified as likely benign based on ACMG/AMP sequence variant interpretation guidelines (Richards et al. 2015 PMID: 25741868, with internal and published modifications).

NM_005548.3(KARS1):c.1494G>A (p.Ala498=)

Genes: KARS1 (lysyl-tRNA synthetase 1; minus strand), LOC126862402 (CDK7 strongly-dependent group 2 enhancer GRCh37_chr16:75663368-75664567; plus strand). Cytogenetic location: 16q23.1.
Variant type: single nucleotide variant.
Coding change: c.1494G>A on transcript NM_005548.3 (MANE Select); coding-DNA position 1494, G replaced by A.
Protein change: p.Ala498=; no amino-acid change (alanine 498 retained).
Molecular consequence: synonymous variant.
Genome position (GRCh38, 1-based): chr16:75,629,472, C>T on the plus strand (G>A on the coding strand, the complement: KARS1 is on the minus strand). VCF-style: chr16-75629472-C-T. GRCh37 (hg19) VCF-style: chr16-75663370-C-T.
Other names: c.1578G>A, p.Ala526= (NM_001130089.2); c.1026G>A, p.Ala342= (NM_001378148.1).
Identifiers: ClinVar variation 3024853 (VCV003024853.26), dbSNP rs374568114, ClinGen allele CA8177212.
Genomic context (GRCh38, chr16:75,629,472, plus strand): 5'-CACCTTGGCCTGTTCTTCAAAAAGCTGCCGCTGCCGCATGGGATCATTCAGCTCAGTATA[C>T]GCATTGCATATCTCTTTCTTCATGACAAACAGCTCAAAGCGCTCAGTCAGACCCTCTTTA-3'
Protein context (NP_005539.1, residues 488-508): LFVMKKEICN[Ala498=]YTELNDPMRQ